The following is an entry in ClinVar:

NM_003560.4(PLA2G6):c.1974C>A (p.Asn658Lys)

Gene: PLA2G6 (phospholipase A2 group VI; minus strand). Cytogenetic location: 22q13.1.
Variant type: single nucleotide variant.
Coding change: c.1974C>A on transcript NM_003560.4 (MANE Select); coding-DNA position 1974, C replaced by A.
Protein change: p.Asn658Lys; replaces asparagine 658 with lysine.
Molecular consequence: missense variant.
Genome position (GRCh38, 1-based): chr22:38,115,587, G>T on the plus strand (C>A on the coding strand, the complement: PLA2G6 is on the minus strand). VCF-style: chr22-38115587-G-T. GRCh37 (hg19) VCF-style: chr22-38511594-G-T.
Other names: NM_003560.4(PLA2G6):c.1974C>A; p.Asn658Lys; c.1812C>A, p.Asn604Lys (NM_001004426.3, NM_001199562.3, NM_001349865.2 and 1 more transcripts); c.1974C>A, p.Asn658Lys (NM_001349864.2); c.1440C>A, p.Asn480Lys (NM_001349867.2); c.1296C>A, p.Asn432Lys (NM_001349868.2); c.1278C>A, p.Asn426Lys (NM_001349869.2); short protein forms N426K, N432K, N480K, N604K, N658K.
Identifiers: ClinVar variation 1303473 (VCV001303473.10), dbSNP rs1048444597, ClinGen allele CA324183423.

ClinVar aggregate classification (germline): Conflicting classifications of pathogenicity. Review status: criteria provided, conflicting classifications (1 of 4 stars). 4 submissions from 4 submitters: Pathogenic (1); Likely pathogenic (1); Uncertain significance (2). Last evaluated 2026-01-11.

Conditions:
PLA2G6-associated neurodegeneration (PLAN). Also called: phospholipase A2-associated neurodegeneration. Identifiers: Orphanet 329303, MedGen CN204472, MONDO:0017998.
Infantile neuroaxonal dystrophy (NBIA2A). Also called: NEURODEGENERATION WITH BRAIN IRON ACCUMULATION 2A; Infantile neuroaxonal dystrophy 1; SEITELBERGER DISEASE. Identifiers: Orphanet 35069, MedGen C0270724, MONDO:0024457, OMIM 256600.

Allele frequency attached by ClinVar (database versions not stated): TOPMed 0.00002; gnomAD exomes below 0.00001; gnomAD 0.00001.
gnomAD v4.1: 3 of 1,613,346 alleles (0.00019%); highest among the groups gnomAD compares: Admixed American, 0.0033%; no homozygotes.

Submissions (4):

GeneDx
Classification: Likely pathogenic. Last evaluated: 2026-01-11. Review status: criteria provided, single submitter. Criteria: GeneDx Variant Classification Process June 2021. Collection method: clinical testing. Allele origin: germline. Affected: yes.
Comment: Not observed at significant frequency in large population cohorts (gnomAD); In silico analysis supports that this missense variant has a deleterious effect on protein structure/function; This variant is associated with the following publications: (PMID: 38590380, 35861376, 36790591, 27516098)

Labcorp Genetics (formerly Invitae), Labcorp
Classification: Pathogenic for Infantile neuroaxonal dystrophy. Last evaluated: 2025-11-03. Review status: criteria provided, single submitter. Criteria: Invitae Variant Classification Sherloc (09022015). Collection method: clinical testing. Allele origin: germline.
Comment: This sequence change replaces asparagine, which is neutral and polar, with lysine, which is basic and polar, at codon 658 of the PLA2G6 protein (p.Asn658Lys). This variant is present in population databases (no rsID available, gnomAD 0.003%). This missense change has been observed in individual(s) with PLA2G6-related conditions (PMID: 27516098; internal data). In at least one individual the data is consistent with being in trans (on the opposite chromosome) from a pathogenic variant. ClinVar contains an entry for this variant (Variation ID: 1303473). Invitae Evidence Modeling of protein sequence and biophysical properties (such as structural, functional, and spatial information, amino acid conservation, physicochemical variation, residue mobility, and thermodynamic stability) indicates that this missense variant is expected to disrupt PLA2G6 protein function with a positive predictive value of 80%. For these reasons, this variant has been classified as Pathogenic.

Broad Center for Mendelian Genomics, Broad Institute of MIT and Harvard
Classification: Uncertain significance for PLA2G6-associated neurodegeneration. Last evaluated: 2023-01-24. Review status: criteria provided, single submitter. Criteria: ACMG Guidelines, 2015. Collection method: curation. Allele origin: germline. Inheritance: Autosomal recessive inheritance.
Comment: The p.Asn658Lys variant in PLA2G6 has been reported in 1 individual, in the compound heterozygous state, with PLA2G6-associated neurodegeneration (PMID: 27516098) and has been identified in 0.003% (1/34466) of Latino/Admixed American chromosomes by the Genome Aggregation Database (gnomAD; dbSNP ID: rs1048444597). Although this variant has been seen in the general population in a heterozygous state, its frequency is low enough to be consistent with a recessive carrier frequency. This variant has also been reported in ClinVar (Variation ID#: 1303473) and has been interpreted as a variant of uncertain significance by GeneDx. Computational prediction tools and conservation analyses suggest that this variant may impact the protein, though this information is not predictive enough to determine pathogenicity. In summary, the clinical significance of the p.Asn658Lys variant is uncertain. ACMG/AMP Criteria applied: PP3, PM2_supporting (Richards 2015).

Revvity Omics, Revvity
Classification: Uncertain significance. Last evaluated: 2021-06-15. Review status: criteria provided, single submitter. Criteria: ACMG Guidelines, 2015. Collection method: clinical testing. Allele origin: germline.

Literature cited by the submitters: PubMed 27516098 (cited by Labcorp Genetics (formerly Invitae), Labcorp).